The following is an entry in ClinVar:

NM_000095.3(COMP):c.2095T>G (p.Phe699Val)

Gene: COMP (cartilage oligomeric matrix protein; minus strand). Cytogenetic location: 19p13.11.
Variant type: single nucleotide variant.
Coding change: c.2095T>G on transcript NM_000095.3 (MANE Select); coding-DNA position 2095, T replaced by G.
Protein change: p.Phe699Val; replaces phenylalanine 699 with valine.
Molecular consequence: missense variant.
Genome position (GRCh38, 1-based): chr19:18,783,186, A>C on the plus strand (T>G on the coding strand, the complement: COMP is on the minus strand). VCF-style: chr19-18783186-A-C. GRCh37 (hg19) VCF-style: chr19-18893996-A-C.
Other names: short protein forms F699V.
Identifiers: ClinVar variation 3702100 (VCV003702100.2).

ClinVar aggregate classification (germline): Uncertain significance (1 of 4 stars; one submission).

gnomAD v4.1: 4 of 1,607,834 alleles (0.00025%); highest among the groups gnomAD compares: Admixed American, 0.0033%; no homozygotes.

Submission:

Labcorp Genetics (formerly Invitae), Labcorp
Classification: Uncertain significance. Last evaluated: 2024-04-16. Review status: criteria provided, single submitter. Criteria: Invitae Variant Classification Sherloc (09022015). Collection method: clinical testing. Allele origin: germline.
Comment: This sequence change replaces phenylalanine, which is neutral and non-polar, with valine, which is neutral and non-polar, at codon 699 of the COMP protein (p.Phe699Val). This variant is not present in population databases (gnomAD no frequency). This variant has not been reported in the literature in individuals affected with COMP-related conditions. Advanced modeling of protein sequence and biophysical properties (such as structural, functional, and spatial information, amino acid conservation, physicochemical variation, residue mobility, and thermodynamic stability) performed at Invitae indicates that this missense variant is not expected to disrupt COMP protein function with a negative predictive value of 80%. In summary, the available evidence is currently insufficient to determine the role of this variant in disease. Therefore, it has been classified as a Variant of Uncertain Significance.